The following is an entry in ClinVar:

ClinVar aggregate classification (germline): Uncertain significance (1 of 4 stars; one submission).

Conditions:
Charcot-Marie-Tooth disease type 2. Also called: Charcot-Marie-Tooth type 2. Identifiers: Orphanet 64746, MedGen C0270914, MONDO:0018993.

Submission:

Labcorp Genetics (formerly Invitae), Labcorp
Classification: Uncertain significance for Charcot-Marie-Tooth disease type 2. Last evaluated: 2024-05-02. Review status: criteria provided, single submitter. Criteria: Invitae Variant Classification Sherloc (09022015). Collection method: clinical testing. Allele origin: germline.
Comment: This sequence change replaces arginine, which is basic and polar, with proline, which is neutral and non-polar, at codon 816 of the AARS protein (p.Arg816Pro). This variant is present in population databases (no rsID available, gnomAD 0.0009%). This variant has not been reported in the literature in individuals affected with AARS-related conditions. Advanced modeling of protein sequence and biophysical properties (such as structural, functional, and spatial information, amino acid conservation, physicochemical variation, residue mobility, and thermodynamic stability) performed at Invitae indicates that this missense variant is not expected to disrupt AARS protein function with a negative predictive value of 80%. In summary, the available evidence is currently insufficient to determine the role of this variant in disease. Therefore, it has been classified as a Variant of Uncertain Significance.

NM_001605.3(AARS1):c.2447G>C (p.Arg816Pro)

Gene: AARS1 (alanyl-tRNA synthetase 1; minus strand). Cytogenetic location: 16q22.1.
Variant type: single nucleotide variant.
Coding change: c.2447G>C on transcript NM_001605.3 (MANE Select); coding-DNA position 2447, G replaced by C.
Protein change: p.Arg816Pro; replaces arginine 816 with proline.
Molecular consequence: missense variant.
Genome position (GRCh38, 1-based): chr16:70,253,992, C>G on the plus strand (G>C on the coding strand, the complement: AARS1 is on the minus strand). VCF-style: chr16-70253992-C-G. GRCh37 (hg19) VCF-style: chr16-70287895-C-G.
Other names: short protein forms R816P.
Identifiers: ClinVar variation 3672828 (VCV003672828.2).